The following is an entry in ClinVar:

ClinVar aggregate classification (germline): Conflicting classifications of pathogenicity. Review status: criteria provided, conflicting classifications (1 of 4 stars). 7 submissions from 7 submitters: Uncertain significance (1); Likely benign (4). 2 of the submissions do not count toward it. Last evaluated 2026-02-04.

Conditions:
Prolidase deficiency. Identifiers: Orphanet 742, MedGen C0268532, MONDO:0008221, OMIM 170100.

Allele frequency attached by ClinVar (database versions not stated): gnomAD 0.00058 and 0.00060; TOPMed 0.00062; ExAC 0.00065; ESP Exome Variant Server 0.00073.
gnomAD v4.1: 1,471 of 1,614,054 alleles (0.091%); highest among the groups gnomAD compares: Non-Finnish European, 0.11%; no homozygotes.

Submissions (7):

Labcorp Genetics (formerly Invitae), Labcorp
Classification: Likely benign. Last evaluated: 2026-02-04. Review status: criteria provided, single submitter. Criteria: Invitae Variant Classification Sherloc (09022015). Collection method: clinical testing. Allele origin: germline.

Mayo Clinic Laboratories, Mayo Clinic
Classification: Likely benign. Last evaluated: 2025-08-08. Review status: criteria provided, single submitter. Criteria: ACMG Guidelines, 2015. Collection method: clinical testing. Allele origin: germline. Observed: 1 variant allele.
Comment: BP4, BP7

Blueprint Genetics
Classification: Likely benign. Last evaluated: 2024-11-11. Review status: criteria provided, single submitter. Criteria: ACMG Guidelines, 2015. Collection method: clinical testing. Allele origin: germline.

CeGaT Center for Human Genetics Tuebingen
Classification: Likely benign. Last evaluated: 2024-01-01. Review status: criteria provided, single submitter. Criteria: CeGaT Center For Human Genetics Tuebingen Variant Classification Criteria Version 2. Collection method: clinical testing. Allele origin: germline. Affected: yes. Observed: 1 variant allele.
Comment: PEPD: BP4, BP7

Illumina Laboratory Services, Illumina
Classification: Uncertain significance for Prolidase deficiency. Last evaluated: 2018-01-13. Review status: criteria provided, single submitter. Criteria: ICSL Variant Classification Criteria 13 December 2019. Collection method: clinical testing. Allele origin: germline.

Clinical Genetics DNA and cytogenetics Diagnostics Lab, Erasmus MC, Erasmus Medical Center
Classification: Likely benign. Review status: no assertion criteria provided. Collection method: clinical testing. Allele origin: germline. Affected: yes. Study: VKGL Data-share Consensus. Not counted in ClinVar's aggregate classification.

Clinical Genetics, Academic Medical Center
Classification: Likely benign. Review status: no assertion criteria provided. Collection method: clinical testing. Allele origin: germline. Affected: yes. Study: VKGL Data-share Consensus. Not counted in ClinVar's aggregate classification.

NM_000285.4(PEPD):c.100C>T (p.Leu34=)

Gene: PEPD (peptidase D; minus strand). Cytogenetic location: 19q13.11.
Variant type: single nucleotide variant.
Coding change: c.100C>T on transcript NM_000285.4 (MANE Select); coding-DNA position 100, C replaced by T.
Protein change: p.Leu34=; no amino-acid change (leucine 34 retained).
Molecular consequence: synonymous variant.
Genome position (GRCh38, 1-based): chr19:33,512,694, G>A on the plus strand (C>T on the coding strand, the complement: PEPD is on the minus strand). VCF-style: chr19-33512694-G-A. GRCh37 (hg19) VCF-style: chr19-34003600-G-A.
Other names: p.Leu34=; c.100C>T, p.Leu34= (NM_001166056.2, NM_001166057.2).
Identifiers: ClinVar variation 788351 (VCV000788351.41), dbSNP rs376016676, ClinGen allele CA9364494.
Genomic context (GRCh38, chr19:33,512,694, plus strand): 5'-TCTCCTCCCCGCCCTGCAGGACCACGATGGAGCCGGCCTGCACAGCAGGGTTCTTCCGCA[G>A]CCGCTCACACAGGCGCTGCCGGTTCAAGGCAAAGAGCGCCAGCGGCACCTTCAGGGTTTC-3'
Protein context (NP_000276.2, residues 24-44): ALNRQRLCER[Leu34=]RKNPAVQAGS